The following is an entry in ClinVar:

NM_015047.3(EMC1):c.440A>G (p.Lys147Arg)

Gene: EMC1 (ER membrane protein complex subunit 1; minus strand). Cytogenetic location: 1p36.13.
Variant type: single nucleotide variant.
Coding change: c.440A>G on transcript NM_015047.3 (MANE Select); coding-DNA position 440, A replaced by G.
Protein change: p.Lys147Arg; replaces lysine 147 with arginine.
Molecular consequence: missense variant.
Genome position (GRCh38, 1-based): chr1:19,242,414, T>C on the plus strand (A>G on the coding strand, the complement: EMC1 is on the minus strand). VCF-style: chr1-19242414-T-C. GRCh37 (hg19) VCF-style: chr1-19568908-T-C.
Other names: c.440A>G, p.Lys147Arg (NM_001271427.2, NM_001271428.2, NM_001375820.1 and 1 more transcripts); c.374A>G, p.Lys125Arg (NM_001271429.2); short protein forms K125R, K147R.
Identifiers: ClinVar variation 3368207 (VCV003368207.1).

ClinVar aggregate classification (germline): Uncertain significance (1 of 4 stars; one submission).

Submission:

GeneDx
Classification: Uncertain significance. Last evaluated: 2024-01-24. Review status: criteria provided, single submitter. Criteria: GeneDx Variant Classification Process June 2021. Collection method: clinical testing. Allele origin: germline. Affected: yes.
Comment: Not observed at significant frequency in large population cohorts (gnomAD); In silico analysis supports that this missense variant does not alter protein structure/function; Has not been previously published as pathogenic or benign to our knowledge